The following is an entry in ClinVar:

NM_001003722.2(GLE1):c.937C>T (p.Arg313Ter)

Gene: GLE1 (GLE1 RNA export mediator; plus strand). Cytogenetic location: 9q34.11.
Variant type: single nucleotide variant.
Coding change: c.937C>T on transcript NM_001003722.2 (MANE Select); coding-DNA position 937, C replaced by T.
Protein change: p.Arg313Ter; replaces arginine 313 with a stop codon.
Molecular consequence: nonsense.
Genome position (GRCh38, 1-based): chr9:128,525,231, C>T. VCF-style: chr9-128525231-C-T. GRCh37 (hg19) VCF-style: chr9-131287510-C-T.
Other names: c.937C>T (NM_001003722.1); c.937C>T, p.Arg313Ter (NM_001499.2); short protein forms R313*.
Identifiers: ClinVar variation 1070176 (VCV001070176.8), dbSNP rs1308076031, ClinGen allele CA375040664.

ClinVar aggregate classification (germline): Pathogenic/Likely pathogenic. Review status: criteria provided, multiple submitters, no conflicts (2 of 4 stars). 2 submissions from 2 submitters: Pathogenic (1); Likely pathogenic (1). Last evaluated 2025-01-14.

Conditions:
Lethal congenital contractural syndrome Finnish type.

Allele frequency attached by ClinVar (database versions not stated): gnomAD exomes below 0.00001 and 0.00001; gnomAD 0.00001; TOPMed 0.00001.
gnomAD v4.1: 9 of 1,613,946 alleles (0.00056%); highest among the groups gnomAD compares: African/African-American, 0.0013%; no homozygotes.

Submissions (2):

Natera, Inc.
Classification: Likely pathogenic for Lethal congenital contractural syndrome Finnish type. Last evaluated: 2025-01-14. Review status: criteria provided, single submitter. Criteria: Natera Variant Classification Schema (03/2026). Collection method: clinical testing. Allele origin: germline.
Comment: The c.937C>T variant in GLE1 is a nonsense variant predicted to introduce a stop codon at amino acid 313. This variant is expected to result in nonsense mediated decay, truncation, or a dysfunctional protein product. This variant is rare in the general population with a frequency below the threshold expected for the associated phenotype(s). Given the available evidence, this variant is classified as Likely Pathogenic.

Labcorp Genetics (formerly Invitae), Labcorp
Classification: Pathogenic. Last evaluated: 2023-08-30. Review status: criteria provided, single submitter. Criteria: Invitae Variant Classification Sherloc (09022015). Collection method: clinical testing. Allele origin: germline.
Comment: For these reasons, this variant has been classified as Pathogenic. ClinVar contains an entry for this variant (Variation ID: 1070176). This variant has not been reported in the literature in individuals affected with GLE1-related conditions. The frequency data for this variant in the population databases is considered unreliable, as metrics indicate poor data quality at this position in the gnomAD database. This sequence change creates a premature translational stop signal (p.Arg313*) in the GLE1 gene. It is expected to result in an absent or disrupted protein product. Loss-of-function variants in GLE1 are known to be pathogenic (PMID: 18204449, 24243016, 27684565).

Literature cited by the submitters: PubMed 18204449 (cited by Labcorp Genetics (formerly Invitae), Labcorp); PubMed 24243016 (cited by Labcorp Genetics (formerly Invitae), Labcorp); PubMed 27684565 (cited by Labcorp Genetics (formerly Invitae), Labcorp).